The following is an entry in ClinVar:

NM_001114753.3(ENG):c.782G>T (p.Trp261Leu)

Gene: ENG (endoglin; minus strand). Cytogenetic location: 9q34.11.
Variant type: single nucleotide variant.
Coding change: c.782G>T on transcript NM_001114753.3 (MANE Select); coding-DNA position 782, G replaced by T.
Protein change: p.Trp261Leu; replaces tryptophan 261 with leucine.
Molecular consequence: missense variant.
Genome position (GRCh38, 1-based): chr9:127,825,265, C>A on the plus strand (G>T on the coding strand, the complement: ENG is on the minus strand). VCF-style: chr9-127825265-C-A. GRCh37 (hg19) VCF-style: chr9-130587544-C-A.
Other names: c.782G>T, p.Trp261Leu (NM_000118.4, NM_001406715.1); c.236G>T, p.Trp79Leu (NM_001278138.2); short protein forms W261L, W79L.
Identifiers: ClinVar variation 407134 (VCV000407134.10), dbSNP rs1060501420, ClinGen allele CA16612706.

ClinVar aggregate classification (germline): Uncertain significance (1 of 4 stars; one submission).

Conditions:
Hereditary hemorrhagic telangiectasia (HHT). Also called: ORW DISEASE; Osler Weber Rendu syndrome; OSLER-RENDU-WEBER DISEASE; Osler hemorrhagic telangiectasia syndrome. Identifiers: Orphanet 774, MedGen C0039445, MONDO:0019180. Disease mechanism: loss of function.

Submission:

Labcorp Genetics (formerly Invitae), Labcorp
Classification: Uncertain significance for Hereditary hemorrhagic telangiectasia. Last evaluated: 2016-11-25. Review status: criteria provided, single submitter. Criteria: Invitae Variant Classification Sherloc (09022015). Collection method: clinical testing. Allele origin: germline.
Comment: In summary, this variant is a novel missense change with uncertain impact on protein function. It has been classified as a Variant of Uncertain Significance. A different missense substitution at this codon (p.Trp261Arg) has been determined to be pathogenic (PMID: 15517393). This suggests that the tryptophan residue is critical for ENG protein function and that other missense substitutions at this position may also be pathogenic. Algorithms developed to predict the effect of missense changes on protein structure and function do not agree on the potential impact of this missense change (SIFT: "Deleterious"; PolyPhen-2: "Probably Damaging"; Align-GVGD: "Class C0"). This variant is not present in population databases (ExAC no frequency) and has not been reported in the literature in individuals with a ENG-related disease. This sequence change replaces tryptophan with leucine at codon 261 of the ENG protein (p.Trp261Leu). The tryptophan residue is moderately conserved and there is a small physicochemical difference between tryptophan and leucine.

Literature cited by the submitters: PubMed 15517393.